The following is an entry in ClinVar:

NM_000080.4(CHRNE):c.866del (p.Leu289fs)

Genes: C17orf107 (chromosome 17 open reading frame 107; plus strand), CHRNE (cholinergic receptor nicotinic epsilon subunit; minus strand). Cytogenetic location: 17p13.2.
Variant type: Deletion.
Coding change: c.866del on transcript NM_000080.4 (MANE Select); coding-DNA position 866, one base deleted (T; older notation c.866delT).
Protein change: p.Leu289fs; shifts the reading frame from leucine 289.
Molecular consequence: frameshift variant. On other transcripts: 3 prime UTR variant (1).
Genome position (GRCh38, 1-based): chr17:4,900,844, A deleted on the plus strand (T on the coding strand, the reverse complement: CHRNE is on the minus strand). VCF-style (leftmost placement, unchanged base first): chr17-4900843-GA-G. GRCh37 (hg19) VCF-style: chr17-4804138-GA-G.
Other names: c.*311del (NM_001145536.2); short protein forms L289fs.
Identifiers: ClinVar variation 2079328 (VCV002079328.4), dbSNP rs1451776623, ClinGen allele CA624856046.

ClinVar aggregate classification (germline): Pathogenic/Likely pathogenic. Review status: criteria provided, multiple submitters, no conflicts (2 of 4 stars). 2 submissions from 2 submitters: Pathogenic (1); Likely pathogenic (1). Last evaluated 2024-04-25.

Conditions:
Congenital myasthenic syndrome 4A. Also called: Myasthenic syndrome, congenital, 4a, slow-channel; MYASTHENIC SYNDROME, CONGENITAL, 4A, SLOW-CHANNEL, AUTOSOMAL RECESSIVE; CONGENITAL MYASTHENIC SYNDROME TYPE Ia1. Identifiers: Orphanet 590, MedGen C4225413, MONDO:0011600, OMIM 605809.

Allele frequency attached by ClinVar (database versions not stated): gnomAD exomes below 0.00001; TOPMed 0.00002; gnomAD 0.00004.

Submissions (2):

Labcorp Genetics (formerly Invitae), Labcorp
Classification: Pathogenic for Congenital myasthenic syndrome 4A. Last evaluated: 2024-04-25. Review status: criteria provided, single submitter. Criteria: Invitae Variant Classification Sherloc (09022015). Collection method: clinical testing. Allele origin: germline.
Comment: This sequence change creates a premature translational stop signal (p.Leu289Profs*11) in the CHRNE gene. It is expected to result in an absent or disrupted protein product. Loss-of-function variants in CHRNE are known to be pathogenic (PMID: 22678886). This variant is present in population databases (no rsID available, gnomAD 0.003%). This variant has not been reported in the literature in individuals affected with CHRNE-related conditions. ClinVar contains an entry for this variant (Variation ID: 2079328). Algorithms developed to predict the effect of sequence changes on RNA splicing suggest that this variant may disrupt the consensus splice site. For these reasons, this variant has been classified as Pathogenic.

Baylor Genetics
Classification: Likely pathogenic for Congenital myasthenic syndrome 4A. Last evaluated: 2024-02-14. Review status: criteria provided, single submitter. Criteria: ACMG Guidelines, 2015. Collection method: clinical testing. Allele origin: unknown.

Literature cited by the submitters: PubMed 22678886 (cited by Labcorp Genetics (formerly Invitae), Labcorp).